The following is an entry in ClinVar:

NM_025265.4(TSEN2):c.1136+5G>A

Gene: TSEN2 (tRNA splicing endonuclease subunit 2; plus strand). Cytogenetic location: 3p25.2.
Variant type: single nucleotide variant.
Coding change: c.1136+5G>A on transcript NM_025265.4 (MANE Select); 5 bases into the intron after coding-DNA position 1136, G replaced by A.
Molecular consequence: intron variant.
Genome position (GRCh38, 1-based): chr3:12,528,929, G>A. VCF-style: chr3-12528929-G-A. GRCh37 (hg19) VCF-style: chr3-12570428-G-A.
Other names: c.1136+5G>A (NM_001321278.2, NM_001145392.2, NM_001321277.2); c.1058+5G>A (NM_001321279.2, NM_001145393.3); c.959+5G>A (NM_001145394.2).
Identifiers: ClinVar variation 4891310 (VCV004891310.1).

ClinVar aggregate classification (germline): Uncertain significance (1 of 4 stars; one submission).

gnomAD v4.1: 10 of 1,613,744 alleles (0.00062%); highest among the groups gnomAD compares: South Asian, 0.0011%; no homozygotes.

Submission:

GeneDx
Classification: Uncertain significance. Last evaluated: 2026-01-22. Review status: criteria provided, single submitter. Criteria: GeneDx Variant Classification Process June 2021. Collection method: clinical testing. Allele origin: germline.
Comment: Not observed at significant frequency in large population cohorts (gnomAD); In silico analysis supports a deleterious effect on splicing; Has not been previously published as pathogenic or benign to our knowledge